The following is an entry in ClinVar:

ClinVar aggregate classification (germline): Likely benign (1 of 4 stars; one submission).

Allele frequency attached by ClinVar (database versions not stated): gnomAD 0.00006; ExAC 0.00046.
gnomAD v4.1: 74 of 1,535,722 alleles (0.0048%); highest among the groups gnomAD compares: Middle Eastern, 0.033%; no homozygotes.

Submission:

CeGaT Center for Human Genetics Tuebingen
Classification: Likely benign. Last evaluated: 2026-03-01. Review status: criteria provided, single submitter. Criteria: CeGaT Center For Human Genetics Tuebingen Variant Classification Criteria Version 2. Collection method: clinical testing. Allele origin: germline. Affected: yes. Observed: 3 variant alleles.
Comment: GALC: BP4, BP7

NM_001424076.1(GALC):c.-491G>A

Gene: GALC (galactosylceramidase; minus strand). Cytogenetic location: 14q31.3.
Variant type: single nucleotide variant.
Coding change: c.-491G>A on transcript NM_001424076.1; 491 bases upstream of the start codon, G replaced by A.
Molecular consequence: 5 prime UTR variant. On other transcripts: synonymous variant (1).
Genome position (GRCh38, 1-based): chr14:87,993,401, C>T on the plus strand (G>A on the coding strand, the complement: GALC is on the minus strand). VCF-style: chr14-87993401-C-T. GRCh37 (hg19) VCF-style: chr14-88459745-C-T.
Other names: c.99G>A, p.Thr33= (NM_001201402.2).
Identifiers: ClinVar variation 2672565 (VCV002672565.21), dbSNP rs747712124, ClinGen allele CA7297555.